The following is an entry in ClinVar:

NM_000038.6(APC):c.4713T>C (p.Asp1571=)

Gene: APC (APC regulator of Wnt signaling pathway; plus strand). Cytogenetic location: 5q22.2.
Variant type: single nucleotide variant.
Coding change: c.4713T>C on transcript NM_000038.6 (MANE Select); coding-DNA position 4713, T replaced by C.
Protein change: p.Asp1571=; no amino-acid change (aspartic acid 1571 retained).
Molecular consequence: synonymous variant. On other transcripts: non-coding transcript variant (2).
Genome position (GRCh38, 1-based): chr5:112,840,307, T>C. VCF-style: chr5-112840307-T-C. GRCh37 (hg19) VCF-style: chr5-112176004-T-C.
Other names: c.4713T>C, p.Asp1571= (NM_001127510.3, NM_001354895.2, NM_001407450.1); c.4659T>C, p.Asp1553= (NM_001127511.3); c.4767T>C, p.Asp1589= (NM_001354896.2, NM_001407447.1, NM_001407448.1 and 1 more transcripts); c.4743T>C, p.Asp1581= (NM_001354897.2); c.4638T>C, p.Asp1546= (NM_001354898.2); c.4629T>C, p.Asp1543= (NM_001354899.2); c.4590T>C, p.Asp1530= (NM_001354900.2); c.4536T>C, p.Asp1512= (NM_001354901.2, NM_001407453.1); and 11 more.
Identifiers: ClinVar variation 3148057 (VCV003148057.1), dbSNP rs2149921863, ClinGen allele CA446206684.

ClinVar aggregate classification (germline): Benign (1 of 4 stars; one submission).

Conditions:
Familial adenomatous polyposis 1 (FAP1). Also called: POLYPOSIS, ADENOMATOUS INTESTINAL; FAMILIAL ADENOMATOUS POLYPOSIS 1, ATTENUATED. Identifiers: MedGen C2713442, MONDO:0021056, OMIM 175100. Disease mechanism: loss of function.

Submission:

Myriad Genetics, Inc.
Classification: Benign for Familial adenomatous polyposis 1. Last evaluated: 2024-03-27. Review status: criteria provided, single submitter. Criteria: Myriad Autosomal Dominant, Autosomal Recessive and X-Linked Classification Criteria (2023). Collection method: clinical testing. Allele origin: unknown.
Comment: This variant is considered benign. This variant is a silent/synonymous amino acid change and it is not expected to impact splicing.